The following is an entry in ClinVar:

ClinVar aggregate classification (germline): Uncertain significance (1 of 4 stars; one submission).

Conditions:
Hereditary pheochromocytoma and paraganglioma. Also called: Hereditary Paraganglioma-Pheochromocytoma Syndromes; Hereditary pheochromocytoma-paraganglioma; Hereditary paragangliomas and pheochromocytomas. Identifiers: Orphanet 29072, MedGen C4274332, MONDO:0017366.

Submission:

Labcorp Genetics (formerly Invitae), Labcorp
Classification: Uncertain significance for Hereditary pheochromocytoma and paraganglioma. Last evaluated: 2023-07-17. Review status: criteria provided, single submitter. Criteria: Invitae Variant Classification Sherloc (09022015). Collection method: clinical testing. Allele origin: germline.
Comment: In summary, the available evidence is currently insufficient to determine the role of this variant in disease. Therefore, it has been classified as a Variant of Uncertain Significance. An algorithm developed to predict the effect of missense changes on protein structure and function (PolyPhen-2) suggests that this variant is likely to be disruptive. This variant has not been reported in the literature in individuals affected with SDHAF2-related conditions. This variant is not present in population databases (gnomAD no frequency). This sequence change replaces aspartic acid, which is acidic and polar, with glutamic acid, which is acidic and polar, at codon 46 of the SDHAF2 protein (p.Asp46Glu).

NM_017841.4(SDHAF2):c.138C>A (p.Asp46Glu)

Gene: SDHAF2 (succinate dehydrogenase complex assembly factor 2; plus strand). Cytogenetic location: 11q12.2.
Variant type: single nucleotide variant.
Coding change: c.138C>A on transcript NM_017841.4 (MANE Select); coding-DNA position 138, C replaced by A.
Protein change: p.Asp46Glu; replaces aspartic acid 46 with glutamic acid.
Molecular consequence: missense variant.
Genome position (GRCh38, 1-based): chr11:61,437,726, C>A. VCF-style: chr11-61437726-C-A. GRCh37 (hg19) VCF-style: chr11-61205198-C-A.
Other names: short protein forms D46E.
Identifiers: ClinVar variation 2744351 (VCV002744351.3), dbSNP rs969049910, ClinGen allele CA380683270.
Genomic context (GRCh38, chr11:61,437,726, plus strand): 5'-CAGTGTGACATCATTCAGACGCTTCTACAGAGGTGACAGCCCAACAGATTCCCAAAAGGA[C>A]ATGATTGAAATCCCTTTGCCTCCATGGCAGGAGAGAACTGATGAATCCATAGAAACCAAA-3'
Protein context (NP_060311.1, residues 36-56): RGDSPTDSQK[Asp46Glu]MIEIPLPPWQ